The following is an entry in ClinVar:

NM_001271.4(CHD2):c.1724G>A (p.Arg575Gln)

Gene: CHD2 (chromodomain helicase DNA binding protein 2; plus strand). Cytogenetic location: 15q26.1.
Variant type: single nucleotide variant.
Coding change: c.1724G>A on transcript NM_001271.4 (MANE Select); coding-DNA position 1724, G replaced by A.
Protein change: p.Arg575Gln; replaces arginine 575 with glutamine.
Molecular consequence: missense variant.
Genome position (GRCh38, 1-based): chr15:92,955,427, G>A. VCF-style: chr15-92955427-G-A. GRCh37 (hg19) VCF-style: chr15-93498657-G-A.
Other names: short protein forms R575Q.
Identifiers: ClinVar variation 1302572 (VCV001302572.15), dbSNP rs2141814810, ClinGen allele CA393905507.

ClinVar aggregate classification (germline): Conflicting classifications of pathogenicity. Review status: criteria provided, conflicting classifications (1 of 4 stars). 2 submissions from 2 submitters: Uncertain significance (1); Likely benign (1). Last evaluated 2025-02-01.

Allele frequency attached by ClinVar (database versions not stated): gnomAD exomes below 0.00001.
gnomAD v4.1: 3 of 1,564,158 alleles (0.00019%); highest among the groups gnomAD compares: South Asian, 0.0012%; no homozygotes.

Submissions (2):

CeGaT Center for Human Genetics Tuebingen
Classification: Likely benign. Last evaluated: 2025-02-01. Review status: criteria provided, single submitter. Criteria: CeGaT Center For Human Genetics Tuebingen Variant Classification Criteria Version 2. Collection method: clinical testing. Allele origin: germline. Affected: yes. Observed: 1 variant allele.
Comment: CHD2: PP2, BS2

GeneDx
Classification: Uncertain significance. Last evaluated: 2019-06-14. Review status: criteria provided, single submitter. Criteria: GeneDx Variant Classification Process June 2021. Collection method: clinical testing. Allele origin: germline. Affected: yes.
Comment: Not observed in large population cohorts (Lek et al., 2016); In silico analysis, which includes protein predictors and evolutionary conservation, supports a deleterious effect; Has not been previously published as pathogenic or benign to our knowledge